The following is an entry in ClinVar:

NM_014797.3(ZBTB24):c.1235A>T (p.His412Leu)

Gene: ZBTB24 (zinc finger and BTB domain containing 24; minus strand). Cytogenetic location: 6q21.
Variant type: single nucleotide variant.
Coding change: c.1235A>T on transcript NM_014797.3 (MANE Select); coding-DNA position 1235, A replaced by T.
Protein change: p.His412Leu; replaces histidine 412 with leucine.
Molecular consequence: missense variant.
Genome position (GRCh38, 1-based): chr6:109,475,452, T>A on the plus strand (A>T on the coding strand, the complement: ZBTB24 is on the minus strand). VCF-style: chr6-109475452-T-A. GRCh37 (hg19) VCF-style: chr6-109796655-T-A.
Other names: short protein forms H412L.
Identifiers: ClinVar variation 1513430 (VCV001513430.5), dbSNP rs548726702, ClinGen allele CA3954128.

ClinVar aggregate classification (germline): Uncertain significance (1 of 4 stars; one submission).

Conditions:
Immunodeficiency-centromeric instability-facial anomalies syndrome 2 (ICF2). Identifiers: Orphanet 2268, MedGen C3279748, MONDO:0013553, OMIM 614069.

Allele frequency attached by ClinVar (database versions not stated): 1000 Genomes Project 30x 0.00016; 1000 Genomes Project 0.00020.
gnomAD v4.1: 1 of 1,614,238 alleles (0.000062%); highest among the groups gnomAD compares: African/African-American, 0.0013%; no homozygotes.

Submission:

Labcorp Genetics (formerly Invitae), Labcorp
Classification: Uncertain significance for Immunodeficiency-centromeric instability-facial anomalies syndrome 2. Last evaluated: 2022-01-07. Review status: criteria provided, single submitter. Criteria: Invitae Variant Classification Sherloc (09022015). Collection method: clinical testing. Allele origin: germline.
Comment: This sequence change replaces histidine, which is basic and polar, with leucine, which is neutral and non-polar, at codon 412 of the ZBTB24 protein (p.His412Leu). This variant is present in population databases (rs548726702, gnomAD 0.007%). This variant has not been reported in the literature in individuals affected with ZBTB24-related conditions. Algorithms developed to predict the effect of missense changes on protein structure and function are either unavailable or do not agree on the potential impact of this missense change (SIFT: "Not Available"; PolyPhen-2: "Benign"; Align-GVGD: "Not Available"). In summary, the available evidence is currently insufficient to determine the role of this variant in disease. Therefore, it has been classified as a Variant of Uncertain Significance.